The following is an entry in ClinVar:

NM_000144.5(FXN):c.162C>T (p.Arg54=)

Genes: FXN (frataxin; plus strand), LOC130001862 (ATAC-STARR-seq lymphoblastoid silent region 19931; plus strand). Cytogenetic location: 9q21.11.
Variant type: single nucleotide variant.
Coding change: c.162C>T on transcript NM_000144.5 (MANE Select); coding-DNA position 162, C replaced by T.
Protein change: p.Arg54=; no amino-acid change (arginine 54 retained).
Molecular consequence: synonymous variant.
Genome position (GRCh38, 1-based): chr9:69,035,944, C>T. VCF-style: chr9-69035944-C-T. GRCh37 (hg19) VCF-style: chr9-71650860-C-T.
Other names: c.162C>T, p.Arg54= (NM_181425.3).
Identifiers: ClinVar variation 447361 (VCV000447361.8), dbSNP rs370984034, ClinGen allele CA193369207.

ClinVar aggregate classification (germline): Benign/Likely benign. Review status: criteria provided, multiple submitters, no conflicts (2 of 4 stars). 3 submissions from 3 submitters: Benign (1); Likely benign (2). Last evaluated 2025-08-06.

Conditions:
Inborn genetic diseases. Identifiers: MedGen C0950123, MeSH D030342.

Allele frequency attached by ClinVar (database versions not stated): gnomAD exomes 0.00001 and 0.00005; 1000 Genomes Project 30x 0.00016; 1000 Genomes Project 0.00020; gnomAD 0.00021 and 0.00024; TOPMed 0.00022.
gnomAD v4.1: 81 of 1,467,090 alleles (0.0055%); highest among the groups gnomAD compares: African/African-American, 0.046%; 2 homozygotes.

Submissions (3):

Athena Diagnostics
Classification: Benign. Last evaluated: 2025-08-06. Review status: criteria provided, single submitter. Criteria: Athena Diagnostics Criteria. Collection method: clinical testing. Allele origin: unknown.
Comment: The frequency of this variant in the general population is higher than would generally be expected for pathogenic variants in this gene. Computational tools yielded predictions that this variant is unlikely to have an effect on normal RNA splicing. This nucleotide position exhibits low evolutionary conservation.

Blueprint Genetics
Classification: Likely benign. Last evaluated: 2024-07-02. Review status: criteria provided, single submitter. Criteria: ACMG Guidelines, 2015. Collection method: clinical testing. Allele origin: germline.

Ambry Genetics
Classification: Likely benign for Inborn genetic diseases. Last evaluated: 2016-09-08. Review status: criteria provided, single submitter. Criteria: Ambry Variant Classification Scheme 2023. Collection method: clinical testing. Allele origin: germline.